The following is an entry in ClinVar:

NM_175634.3(RUNX1T1):c.1566G>A (p.Ala522=)

Gene: RUNX1T1 (RUNX1 partner transcriptional co-repressor 1; minus strand). Cytogenetic location: 8q21.3.
Variant type: single nucleotide variant.
Coding change: c.1566G>A on transcript NM_175634.3 (MANE Select); coding-DNA position 1566, G replaced by A.
Protein change: p.Ala522=; no amino-acid change (alanine 522 retained).
Molecular consequence: synonymous variant.
Genome position (GRCh38, 1-based): chr8:91,960,491, C>T on the plus strand (G>A on the coding strand, the complement: RUNX1T1 is on the minus strand). VCF-style: chr8-91960491-C-T. GRCh37 (hg19) VCF-style: chr8-92972719-C-T.
Other names: c.1485G>A, p.Ala495= (NM_001198625.2, NM_001198632.2, NM_004349.4); c.1566G>A, p.Ala522= (NM_001198626.2, NM_001198627.2, NM_001198628.2 and 3 more transcripts); c.1506G>A, p.Ala502= (NM_001198633.2); c.1599G>A, p.Ala533= (NM_001198634.2); c.1743G>A, p.Ala581= (NM_001198679.3); c.1650G>A, p.Ala550= (NM_001395209.1); c.1455G>A, p.Ala485= (NM_175635.3, NM_175636.2); c.1743G>A (NM_001198679.1).
Identifiers: ClinVar variation 725597 (VCV000725597.6), dbSNP rs138291681, ClinGen allele CA4805807.

ClinVar aggregate classification (germline): Benign. Review status: criteria provided, single submitter (1 of 4 stars). 2 submissions from 2 submitters: Benign (1). 1 of the submissions does not count toward it. Last evaluated 2018-05-08.

Conditions:
RUNX1T1-related disorder. Also called: RUNX1T1-related condition.

Allele frequency attached by ClinVar (database versions not stated): gnomAD exomes 0.00024 and 0.00041; ExAC 0.00043; gnomAD 0.00123 and 0.00135; TOPMed 0.00128; 1000 Genomes Project 0.00140; 1000 Genomes Project 30x 0.00141; ESP Exome Variant Server 0.00154.
gnomAD v4.1: 563 of 1,614,142 alleles (0.035%); highest among the groups gnomAD compares: African/African-American, 0.47%; 1 homozygote.

Submissions (2):

Labcorp Genetics (formerly Invitae), Labcorp
Classification: Benign. Last evaluated: 2018-05-08. Review status: criteria provided, single submitter. Criteria: Invitae Variant Classification Sherloc (09022015). Collection method: clinical testing. Allele origin: germline.

PreventionGenetics, part of Exact Sciences
Classification: Likely benign for RUNX1T1-related condition. Last evaluated: 2019-05-07. Review status: no assertion criteria provided. Collection method: clinical testing. Allele origin: germline. Not counted in ClinVar's aggregate classification.
Comment: This variant is classified as likely benign based on ACMG/AMP sequence variant interpretation guidelines (Richards et al. 2015 PMID: 25741868, with internal and published modifications).